The following is an entry in ClinVar:

ClinVar aggregate classification (germline): Likely pathogenic. Review status: criteria provided, single submitter (1 of 4 stars). 2 submissions from 2 submitters: Likely pathogenic (1). 1 of the submissions does not count toward it. Last evaluated 2024-12-30.

Conditions:
MMUT-related disorder. Also called: MMUT-related condition.
Methylmalonic aciduria due to methylmalonyl-CoA mutase deficiency (MAMM). Also called: Methylmalonic aciduria, mut type. Identifiers: Orphanet 27, MedGen C1855114, MONDO:0009612, OMIM 251000.

Allele frequency attached by ClinVar (database versions not stated): gnomAD exomes below 0.00001.
gnomAD v4.1: 3 of 1,614,092 alleles (0.00019%); highest among the groups gnomAD compares: Non-Finnish European, 0.00025%; no homozygotes.

Submissions (2):

PreventionGenetics, part of Exact Sciences
Classification: Likely pathogenic for MMUT-related condition. Last evaluated: 2024-12-30. Review status: criteria provided, single submitter. Criteria: ACMG Guidelines, 2015. Collection method: clinical testing. Allele origin: germline.
Comment: The MMUT c.1850T>G variant is predicted to result in the amino acid substitution p.Leu617Arg. This variant has been reported in the compound heterozygous state in individuals with methylmalonic acidaemia (Martinez et al. 2005. PubMed ID: 15781192; Yu et al. 2021. PubMed ID: 34668645). This variant has not been reported in a large population database (gnomAD), indicating this variant is rare. This variant is interpreted as likely pathogenic.

Counsyl
Classification: Uncertain significance for Methylmalonic aciduria due to methylmalonyl-CoA mutase deficiency. Last evaluated: 2018-03-14. Review status: no assertion criteria provided. Collection method: clinical testing. Allele origin: unknown. Not counted in ClinVar's aggregate classification.

Literature cited by the submitters: PubMed 15781192 (cited by Counsyl).

NM_000255.4(MMUT):c.1850T>G (p.Leu617Arg)

Gene: MMUT (methylmalonyl-CoA mutase; minus strand). Cytogenetic location: 6p12.3.
Variant type: single nucleotide variant.
Coding change: c.1850T>G on transcript NM_000255.4 (MANE Select); coding-DNA position 1850, T replaced by G.
Protein change: p.Leu617Arg; replaces leucine 617 with arginine.
Molecular consequence: missense variant.
Genome position (GRCh38, 1-based): chr6:49,440,312, A>C on the plus strand (T>G on the coding strand, the complement: MMUT is on the minus strand). VCF-style: chr6-49440312-A-C. GRCh37 (hg19) VCF-style: chr6-49408025-A-C.
Other names: short protein forms L617R.
Identifiers: ClinVar variation 557270 (VCV000557270.3), dbSNP rs1554158775, ClinGen allele CA364395298.